The following is an entry in ClinVar:

ClinVar aggregate classification (germline): Uncertain significance (1 of 4 stars; one submission).

Conditions:
Primary ciliary dyskinesia. Also called: Ciliary dyskinesia. Identifiers: Orphanet 244, MedGen C0008780, MONDO:0016575, HP:0012265.

Allele frequency attached by ClinVar (database versions not stated): ExAC 0.00001; gnomAD exomes 0.00001.
gnomAD v4.1: 4 of 1,613,518 alleles (0.00025%); highest among the groups gnomAD compares: East Asian, 0.0022%; no homozygotes.

Submission:

Labcorp Genetics (formerly Invitae), Labcorp
Classification: Uncertain significance for Primary ciliary dyskinesia. Last evaluated: 2022-06-02. Review status: criteria provided, single submitter. Criteria: Invitae Variant Classification Sherloc (09022015). Collection method: clinical testing. Allele origin: germline.
Comment: This variant is present in population databases (rs777664096, gnomAD 0.0009%). This sequence change replaces aspartic acid, which is acidic and polar, with glycine, which is neutral and non-polar, at codon 838 of the DNAH8 protein (p.Asp838Gly). This variant has not been reported in the literature in individuals affected with DNAH8-related conditions. In summary, the available evidence is currently insufficient to determine the role of this variant in disease. Therefore, it has been classified as a Variant of Uncertain Significance. Algorithms developed to predict the effect of missense changes on protein structure and function are either unavailable or do not agree on the potential impact of this missense change (SIFT: "Deleterious"; PolyPhen-2: "Not Available"; Align-GVGD: "Class C0").

NM_001206927.2(DNAH8):c.2513A>G (p.Asp838Gly)

Gene: DNAH8 (dynein axonemal heavy chain 8; plus strand). Cytogenetic location: 6p21.2.
Variant type: single nucleotide variant.
Coding change: c.2513A>G on transcript NM_001206927.2 (MANE Select); coding-DNA position 2513, A replaced by G.
Protein change: p.Asp838Gly; replaces aspartic acid 838 with glycine.
Molecular consequence: missense variant.
Genome position (GRCh38, 1-based): chr6:38,786,882, A>G. VCF-style: chr6-38786882-A-G. GRCh37 (hg19) VCF-style: chr6-38754658-A-G.
Other names: c.1862A>G, p.Asp621Gly (NM_001371.4); short protein forms D621G, D838G.
Identifiers: ClinVar variation 2140875 (VCV002140875.4), dbSNP rs777664096, ClinGen allele CA3788529.